The following is an entry in ClinVar:

ClinVar aggregate classification (germline): Uncertain significance (1 of 4 stars; one submission).

Conditions:
Ataxia-telangiectasia syndrome (AT). Also called: Ataxia telangiectasia (A-T); LOUIS-BAR SYNDROME; Cerebello-oculocutaneous telangiectasia; Immunodeficiency with ataxia telangiectasia; Ataxia-telangiectasia, complementation group D; AT, COMPLEMENTATION GROUP C. Identifiers: Orphanet 100, MedGen C0004135, MONDO:0008840, OMIM 208900.

Submission:

Labcorp Genetics (formerly Invitae), Labcorp
Classification: Uncertain significance for Ataxia-telangiectasia syndrome. Last evaluated: 2022-09-20. Review status: criteria provided, single submitter. Criteria: Invitae Variant Classification Sherloc (09022015). Collection method: clinical testing. Allele origin: germline.
Comment: This variant has not been reported in the literature in individuals affected with ATM-related conditions. This variant is not present in population databases (gnomAD no frequency). This sequence change replaces serine, which is neutral and polar, with arginine, which is basic and polar, at codon 864 of the ATM protein (p.Ser864Arg). ClinVar contains an entry for this variant (Variation ID: 407506). In summary, the available evidence is currently insufficient to determine the role of this variant in disease. Therefore, it has been classified as a Variant of Uncertain Significance. Algorithms developed to predict the effect of missense changes on protein structure and function are either unavailable or do not agree on the potential impact of this missense change (SIFT: "Deleterious"; PolyPhen-2: "Benign"; Align-GVGD: "Class C0").

NM_000051.4(ATM):c.2590A>C (p.Ser864Arg)

Gene: ATM (ATM serine/threonine kinase; plus strand). Cytogenetic location: 11q22.3.
Variant type: single nucleotide variant.
Coding change: c.2590A>C on transcript NM_000051.4 (MANE Select); coding-DNA position 2590, A replaced by C.
Protein change: p.Ser864Arg; replaces serine 864 with arginine.
Molecular consequence: missense variant.
Genome position (GRCh38, 1-based): chr11:108,267,294, A>C. VCF-style: chr11-108267294-A-C. GRCh37 (hg19) VCF-style: chr11-108138021-A-C.
Other names: c.2590A>C, p.Ser864Arg (NM_001351834.2); short protein forms S864R.
Identifiers: ClinVar variation 407506 (VCV000407506.8), dbSNP rs764842086, ClinGen allele CA16613294.